The following is an entry in ClinVar:

ClinVar aggregate classification (germline): Likely benign (1 of 4 stars; one submission).

Allele frequency attached by ClinVar (database versions not stated): gnomAD 0.00019; TOPMed 0.00029; ExAC 0.00034; ESP Exome Variant Server 0.00008; gnomAD exomes 0.00017.
gnomAD v4.1: 308 of 1,610,022 alleles (0.019%); highest among the groups gnomAD compares: Middle Eastern, 0.25%; no homozygotes.

Submission:

CeGaT Center for Human Genetics Tuebingen
Classification: Likely benign. Last evaluated: 2023-03-01. Review status: criteria provided, single submitter. Criteria: CeGaT Center For Human Genetics Tuebingen Variant Classification Criteria Version 2. Collection method: clinical testing. Allele origin: germline. Affected: yes. Observed: 1 variant allele.
Comment: MAK16: BP4, BP7

NM_032509.4(MAK16):c.627T>C (p.Asp209=)

Gene: MAK16 (MAK16 homolog; plus strand). Cytogenetic location: 8p12.
Variant type: single nucleotide variant.
Coding change: c.627T>C on transcript NM_032509.4 (MANE Select); coding-DNA position 627, T replaced by C.
Protein change: p.Asp209=; no amino-acid change (aspartic acid 209 retained).
Molecular consequence: synonymous variant.
Genome position (GRCh38, 1-based): chr8:33,496,729, T>C. VCF-style: chr8-33496729-T-C. GRCh37 (hg19) VCF-style: chr8-33354247-T-C.
Identifiers: ClinVar variation 2658530 (VCV002658530.24), dbSNP rs149061391, ClinGen allele CA4706896.